The following is an entry in ClinVar:

NM_001164508.2(NEB):c.21102+5G>A

Gene: NEB (nebulin; minus strand). Cytogenetic location: 2q23.3.
Variant type: single nucleotide variant.
Coding change: c.21102+5G>A on transcript NM_001164508.2 (MANE Select); 5 bases into the intron after coding-DNA position 21102, G replaced by A.
Molecular consequence: intron variant.
Genome position (GRCh38, 1-based): chr2:151,537,867, C>T on the plus strand (G>A on the coding strand, the complement: NEB is on the minus strand). VCF-style: chr2-151537867-C-T. GRCh37 (hg19) VCF-style: chr2-152394381-C-T.
Other names: c.15999+5G>A (NM_004543.5); c.21102+5G>A (NM_001164507.2, NM_001271208.2).
Identifiers: ClinVar variation 2506957 (VCV002506957.5), dbSNP rs2552150537, ClinGen allele CA2580611703.
Genomic context (GRCh38, chr2:151,537,867, plus strand): 5'-TATGATTTCAGAGCTTATATGGGAATATGAATTTATATGTGAAAATAGAAGATGTCAACA[C>T]TCACATCACTGACTGTGTCAGTGACTGCTCGGTGGTGGAAATGCTCTGGACGATCAGGAA-3'

ClinVar aggregate classification (germline): Uncertain significance. Review status: criteria provided, multiple submitters, no conflicts (2 of 4 stars). 2 submissions from 2 submitters: Uncertain significance (2). Last evaluated 2023-06-28.

Conditions:
Nemaline myopathy 2 (NEM2). Also called: Nemaline myopathy 2, autosomal recessive. Identifiers: MedGen C1850569, MONDO:0009725, OMIM 256030.

gnomAD v4.1: 3 of 1,573,882 alleles (0.00019%); highest among the groups gnomAD compares: South Asian, 0.0012%; no homozygotes.

Submissions (2):

Institute of Medical Genetics and Genomics, Sir Ganga Ram Hospital
Classification: Uncertain significance for Nemaline myopathy 2. Last evaluated: 2023-06-28. Review status: criteria provided, single submitter. Criteria: ACMG Guidelines, 2015. Collection method: clinical testing. Allele origin: inherited. Inheritance: Autosomal recessive inheritance. Affected: no. Observed: 1 heterozygote.
Comment: This variant has not been found in gnomAD (aggregated) (PM2_moderate). In-silico prediction tools predict this variant as deleterious (PP3_moderate).

Labcorp Genetics (formerly Invitae), Labcorp
Classification: Uncertain significance for Nemaline myopathy 2. Last evaluated: 2023-03-09. Review status: criteria provided, single submitter. Criteria: Invitae Variant Classification Sherloc (09022015). Collection method: clinical testing. Allele origin: germline.
Comment: In summary, the available evidence is currently insufficient to determine the role of this variant in disease. Therefore, it has been classified as a Variant of Uncertain Significance. Variants that disrupt the consensus splice site are a relatively common cause of aberrant splicing (PMID: 17576681, 9536098). Algorithms developed to predict the effect of sequence changes on RNA splicing suggest that this variant may disrupt the consensus splice site. This variant has not been reported in the literature in individuals affected with NEB-related conditions. This variant is not present in population databases (gnomAD no frequency). This sequence change falls in intron 140 of the NEB gene. It does not directly change the encoded amino acid sequence of the NEB protein. It affects a nucleotide within the consensus splice site.

Literature cited by the submitters: PubMed 17576681 (cited by Labcorp Genetics (formerly Invitae), Labcorp); PubMed 9536098 (cited by Labcorp Genetics (formerly Invitae), Labcorp).